The following is an entry in ClinVar:

ClinVar aggregate classification (germline): Pathogenic (1 of 4 stars; one submission).

Conditions:
Multiple endocrine neoplasia, type 1 (MEN1). Also called: MEN I; WERMER SYNDROME; Endocrine adenomatosis multiple; MEN 1; MEA I. Identifiers: Orphanet 652, MedGen C0025267, MeSH D018761, MONDO:0007540, OMIM 131100.

Submission:

Labcorp Genetics (formerly Invitae), Labcorp
Classification: Pathogenic for Multiple endocrine neoplasia, type 1. Last evaluated: 2019-07-03. Review status: criteria provided, single submitter. Criteria: Invitae Variant Classification Sherloc (09022015). Collection method: clinical testing. Allele origin: germline.
Comment: For these reasons, this variant has been classified as Pathogenic. This variant disrupts the C-terminus of the MEN1 protein. Other variant(s) that disrupt this region (p.Gln554*) have been determined to be pathogenic (PMID: 11578300, 17853334, 17158764, 15331604, 16449969). This suggests that variants that disrupt this region of the protein are likely to be causative of disease. This variant is not present in population databases (ExAC no frequency). This sequence change results in a premature translational stop signal in the MEN1 gene (p.Val511Alafs*45). While this is not anticipated to result in nonsense mediated decay, it is expected to disrupt the last 100 amino acids of the MEN1 protein.

Literature cited by the submitters: PubMed 11578300; PubMed 17853334; PubMed 17158764; PubMed 15331604; PubMed 16449969.

NM_001370259.2(MEN1):c.1532_1541del (p.Val511fs)

Gene: MEN1 (menin 1; minus strand). Cytogenetic location: 11q13.1.
Variant type: Deletion.
Coding change: c.1532_1541del on transcript NM_001370259.2 (MANE Select); coding-DNA positions 1532 to 1541, 10 bases deleted (TGTCAGGACC; older notation c.1532_1541delTGTCAGGACC).
Protein change: p.Val511fs; shifts the reading frame from valine 511.
Molecular consequence: frameshift variant.
Genome position (GRCh38, 1-based): chr11:64,804,626-64,804,635, GGTCCTGACA deleted on the plus strand (TGTCAGGACC on the coding strand, the reverse complement: MEN1 is on the minus strand). VCF-style (leftmost placement, unchanged base first): chr11-64804625-GGGTCCTGACA-G. GRCh37 (hg19) VCF-style: chr11-64572097-GGGTCCTGACA-G.
Other names: c.1547_1556del, p.Val516fs (NM_000244.4, NM_130800.3, NM_130801.3 and 3 more transcripts); c.1658_1667del, p.Val553fs (NM_001370251.2); c.1532_1541del, p.Val511fs (NM_001370260.2, NM_001370261.2, NM_130799.3); c.1427_1436del, p.Val476fs (NM_001370262.2, NM_001370263.2); short protein forms V476fs, V511fs, V553fs, V516fs.
Identifiers: ClinVar variation 960239 (VCV000960239.9), dbSNP rs1941529928, ClinGen allele CA1139661991.
Genomic context (GRCh38, chr11:64,804,625, plus strand): 5'-CGTGCTGCCACCTTCAGGGCCTCGGGCTGTGCCAGCGACAGTCCCAGGAGGCTTCCGGGG[GGGTCCTGACA>G]CTGCACCCTGGCCGGTGCCCAGGCCCTTGTCCAGTGCTGGCTTCTTGGGCGGCGGGGGCT-3'